The following is an entry in ClinVar:

NM_014391.3(ANKRD1):c.364C>G (p.Pro122Ala)

Gene: ANKRD1 (ankyrin repeat domain 1; minus strand). Cytogenetic location: 10q23.31.
Variant type: single nucleotide variant.
Coding change: c.364C>G on transcript NM_014391.3 (MANE Select); coding-DNA position 364, C replaced by G.
Protein change: p.Pro122Ala; replaces proline 122 with alanine.
Molecular consequence: missense variant.
Genome position (GRCh38, 1-based): chr10:90,918,954, G>C on the plus strand (C>G on the coding strand, the complement: ANKRD1 is on the minus strand). VCF-style: chr10-90918954-G-C. GRCh37 (hg19) VCF-style: chr10-92678711-G-C.
Other names: short protein forms P122A.
Identifiers: ClinVar variation 581670 (VCV000581670.14), dbSNP rs756392442, ClinGen allele CA5598745.

ClinVar aggregate classification (germline): Conflicting classifications of pathogenicity. Review status: criteria provided, conflicting classifications (1 of 4 stars). 4 submissions from 4 submitters: Uncertain significance (3); Likely benign (1). Last evaluated 2026-09-23.

Conditions:
ANKRD1-related disorder. Also called: ANKRD1-related condition.
Cardiovascular phenotype. Identifiers: MedGen CN230736.
ANKRD1-related dilated cardiomyopathy. Identifiers: MedGen CN119551.

Allele frequency attached by ClinVar (database versions not stated): gnomAD exomes 0.00001 and 0.00002; ExAC 0.00002; gnomAD 0.00004.

Submissions (4):

PreventionGenetics, part of Exact Sciences
Classification: Uncertain significance for ANKRD1-related condition. Last evaluated: 2026-09-23. Review status: criteria provided, single submitter. Criteria: ACMG Guidelines, 2015. Collection method: clinical testing. Allele origin: germline.
Comment: The ANKRD1 c.364C>G variant is predicted to result in the amino acid substitution p.Pro122Ala. To our knowledge, this variant has not been reported in the literature. This variant is reported in 0.0055% of alleles in individuals of European (Non-Finnish) descent in gnomAD. At this time, the clinical significance of this variant is uncertain due to the absence of conclusive functional and genetic evidence.

Labcorp Genetics (formerly Invitae), Labcorp
Classification: Uncertain significance for ANKRD1-related dilated cardiomyopathy. Last evaluated: 2025-10-19. Review status: criteria provided, single submitter. Criteria: Invitae Variant Classification Sherloc (09022015). Collection method: clinical testing. Allele origin: germline.
Comment: This sequence change replaces proline, which is neutral and non-polar, with alanine, which is neutral and non-polar, at codon 122 of the ANKRD1 protein (p.Pro122Ala). This variant is present in population databases (rs756392442, gnomAD 0.006%). This variant has not been reported in the literature in individuals affected with ANKRD1-related conditions. ClinVar contains an entry for this variant (Variation ID: 581670). Invitae Evidence Modeling of protein sequence and biophysical properties (such as structural, functional, and spatial information, amino acid conservation, physicochemical variation, residue mobility, and thermodynamic stability) indicates that this missense variant is not expected to disrupt ANKRD1 protein function with a negative predictive value of 80%. In summary, the available evidence is currently insufficient to determine the role of this variant in disease. Therefore, it has been classified as a Variant of Uncertain Significance.

Ambry Genetics
Classification: Likely benign for Cardiovascular phenotype. Last evaluated: 2025-01-27. Review status: criteria provided, single submitter. Criteria: Ambry Variant Classification Scheme 2023. Collection method: clinical testing. Allele origin: germline.

GeneDx
Classification: Uncertain significance. Last evaluated: 2024-09-27. Review status: criteria provided, single submitter. Criteria: GeneDx Variant Classification Process June 2021. Collection method: clinical testing. Allele origin: germline. Affected: yes.
Comment: In silico analysis indicates that this missense variant does not alter protein structure/function; Has not been previously published as pathogenic or benign to our knowledge